The following is an entry in ClinVar:

NM_181523.3(PIK3R1):c.1019+5G>A

Gene: PIK3R1 (phosphoinositide-3-kinase regulatory subunit 1; plus strand). Cytogenetic location: 5q13.1.
Variant type: single nucleotide variant.
Coding change: c.1019+5G>A on transcript NM_181523.3 (MANE Select); 5 bases into the intron after coding-DNA position 1019, G replaced by A.
Molecular consequence: intron variant.
Genome position (GRCh38, 1-based): chr5:68,292,366, G>A. VCF-style: chr5-68292366-G-A. GRCh37 (hg19) VCF-style: chr5-67588194-G-A.
Other names: c.119+5G>A (NM_181524.2); c.209+5G>A (NM_181504.4).
Identifiers: ClinVar variation 1879625 (VCV001879625.29), dbSNP rs1051498003, ClinGen allele CA119904526.

ClinVar aggregate classification (germline): Uncertain significance (1 of 4 stars; one submission).

Allele frequency attached by ClinVar (database versions not stated): gnomAD exomes below 0.00001.
gnomAD v4.1: 1 of 1,593,028 alleles (0.000063%); highest among the groups gnomAD compares: Non-Finnish European, 0.000086%; no homozygotes.

Submission:

CeGaT Center for Human Genetics Tuebingen
Classification: Uncertain significance. Last evaluated: 2022-12-01. Review status: criteria provided, single submitter. Criteria: CeGaT Center For Human Genetics Tuebingen Variant Classification Criteria Version 2. Collection method: clinical testing. Allele origin: germline. Affected: yes. Observed: 1 variant allele.
Comment: PIK3R1: PM2